The following is an entry in ClinVar:

NM_001322934.2(NFKB2):c.1327+4T>C

Genes: NFKB2 (nuclear factor kappa B subunit 2; plus strand), LOC130004599 (ATAC-STARR-seq lymphoblastoid silent region 2756; plus strand). Cytogenetic location: 10q24.32.
Variant type: single nucleotide variant.
Coding change: c.1327+4T>C on transcript NM_001322934.2 (MANE Select); 4 bases into the intron after coding-DNA position 1327, T replaced by C.
Molecular consequence: intron variant.
Genome position (GRCh38, 1-based): chr10:102,399,501, T>C. VCF-style: chr10-102399501-T-C. GRCh37 (hg19) VCF-style: chr10-104159258-T-C.
Other names: c.1327+4T>C (NM_001288724.1, NM_001077494.3, NM_001261403.3 and 1 more transcripts); c.1201+4T>C (NM_001322935.1).
Identifiers: ClinVar variation 1425780 (VCV001425780.6), dbSNP rs2135435340, ClinGen allele CA2573145395.

ClinVar aggregate classification (germline): Uncertain significance (1 of 4 stars; one submission).

Conditions:
Immunodeficiency, common variable, 10. Also called: DEFICIT IN ANTERIOR PITUITARY FUNCTION AND VARIABLE IMMUNODEFICIENCY; IMMUNODEFICIENCY, COMMON VARIABLE, WITH CENTRAL ADRENAL INSUFFICIENCY. Identifiers: MedGen C3809991, MONDO:0014260, OMIM 615577.

Allele frequency attached by ClinVar (database versions not stated): gnomAD exomes below 0.00001.
gnomAD v4.1: 1 of 1,500,530 alleles (0.000067%); highest among the groups gnomAD compares: Admixed American, 0.0023%; no homozygotes.

Submission:

Labcorp Genetics (formerly Invitae), Labcorp
Classification: Uncertain significance for Immunodeficiency, common variable, 10. Last evaluated: 2025-03-18. Review status: criteria provided, single submitter. Criteria: Invitae Variant Classification Sherloc (09022015). Collection method: clinical testing. Allele origin: germline.
Comment: This sequence change falls in intron 13 of the NFKB2 gene. It does not directly change the encoded amino acid sequence of the NFKB2 protein. It affects a nucleotide within the consensus splice site. This variant is not present in population databases (gnomAD no frequency). This variant has not been reported in the literature in individuals affected with NFKB2-related conditions. ClinVar contains an entry for this variant (Variation ID: 1425780). Variants that disrupt the consensus splice site are a relatively common cause of aberrant splicing (PMID: 17576681, 9536098). Algorithms developed to predict the effect of sequence changes on RNA splicing suggest that this variant is not likely to affect RNA splicing. In summary, the available evidence is currently insufficient to determine the role of this variant in disease. Therefore, it has been classified as a Variant of Uncertain Significance.

Literature cited by the submitters: PubMed 17576681; PubMed 9536098.